The following is an entry in ClinVar:

NM_001134363.3(RBM20):c.141_161dup (p.Pro48_Pro54dup)

Gene: RBM20 (RNA binding motif protein 20; plus strand). Cytogenetic location: 10q25.2.
Variant type: Duplication.
Coding change: c.141_161dup on transcript NM_001134363.3 (MANE Select); coding-DNA positions 141 to 161, 21 bases duplicated (GCCCCAGCCACCGCCCCCGCC).
Protein change: p.Pro48_Pro54dup.
Molecular consequence: inframe insertion.
Genome position (GRCh38, 1-based): chr10:110,644,595-110,644,615, GCCCCAGCCACCGCCCCCGCC duplicated; duplicating any 21 consecutive bases within chr10:110,644,590-110,644,615 gives the same sequence; the c. name uses the placement nearest the transcript's 3' end. VCF-style (leftmost placement, unchanged base first): chr10-110644589-G-GCCGCCGCCCCAGCCACCGCCC. GRCh37 (hg19) VCF-style: chr10-112404347-G-GCCGCCGCCCCAGCCACCGCCC.
Other names: c.141_161dupGCCCCAGCCACCGCCCCCGCC (NM_001134363.1).
Identifiers: ClinVar variation 1312959 (VCV001312959.9), dbSNP rs1286990478, ClinGen allele CA596022013.

ClinVar aggregate classification (germline): Uncertain significance. Review status: criteria provided, multiple submitters, no conflicts (2 of 4 stars). 3 submissions from 3 submitters: Uncertain significance (3). Last evaluated 2026-01-19.

Conditions:
Cardiovascular phenotype. Identifiers: MedGen CN230736.
Dilated cardiomyopathy 1DD (CMD1DD). Identifiers: Orphanet 154, MedGen C2750995, MONDO:0013168, OMIM 613172.

Submissions (3):

Labcorp Genetics (formerly Invitae), Labcorp
Classification: Uncertain significance for Dilated cardiomyopathy 1DD. Last evaluated: 2026-01-19. Review status: criteria provided, single submitter. Criteria: Invitae Variant Classification Sherloc (09022015). Collection method: clinical testing. Allele origin: germline.
Comment: This variant, c.141_161dup, results in the insertion of 7 amino acid(s) of the RBM20 protein (p.Pro48_Pro54dup), but otherwise preserves the integrity of the reading frame. This variant is present in population databases (no rsID available, gnomAD 0.01%). This variant has not been reported in the literature in individuals affected with RBM20-related conditions. ClinVar contains an entry for this variant (Variation ID: 1312959). Experimental studies and prediction algorithms are not available or were not evaluated, and the functional significance of this variant is currently unknown. In summary, the available evidence is currently insufficient to determine the role of this variant in disease. Therefore, it has been classified as a Variant of Uncertain Significance.

Ambry Genetics
Classification: Uncertain significance for Cardiovascular phenotype. Last evaluated: 2023-06-02. Review status: criteria provided, single submitter. Criteria: Ambry Variant Classification Scheme 2023. Collection method: clinical testing. Allele origin: germline.
Comment: The c.141_161dup21 variant (also known as p.P48_P54dup), located in coding exon 1 of the RBM20 gene, results from an in-frame duplication of 21 nucleotides at nucleotide positions 141 to 161. This results in the duplication of 7 extra residues (PQPPPPP) between codons 48 and 54. This amino acid region is not well conserved in available vertebrate species. Since supporting evidence is limited at this time, the clinical significance of this alteration remains unclear.

GeneDx
Classification: Uncertain significance. Last evaluated: 2020-06-29. Review status: criteria provided, single submitter. Criteria: GeneDx Variant Classification Process June 2021. Collection method: clinical testing. Allele origin: germline. Affected: yes.
Comment: Has not been previously published as pathogenic or benign to our knowledge; In silico analysis supports that this variant does not alter protein structure/function; In-frame duplication of seven amino acids in a non-repeat region